The following is an entry in ClinVar:

ClinVar aggregate classification (germline): Uncertain significance. Review status: criteria provided, multiple submitters, no conflicts (2 of 4 stars). 2 submissions from 2 submitters: Uncertain significance (2). Last evaluated 2025-08-12.

Conditions:
Primary dilated cardiomyopathy (DCM). Also called: Dilated Cardiomyopathy. Identifiers: Orphanet 217604, MedGen C0007193, MeSH D002311, MONDO:0005021, HP:0001644. Inheritance: Various modes of inheritance.

Allele frequency attached by ClinVar (database versions not stated): gnomAD exomes below 0.00001 and 0.00001; gnomAD 0.00001; TOPMed 0.00001.
gnomAD v4.1: 3 of 1,611,610 alleles (0.00019%); highest among the groups gnomAD compares: Admixed American, 0.0017%; no homozygotes.

Submissions (2):

Ambry Genetics
Classification: Uncertain significance. Last evaluated: 2025-08-12. Review status: criteria provided, single submitter. Criteria: Ambry Variant Classification Scheme 2023. Collection method: clinical testing. Allele origin: germline.
Comment: The p.D766V variant (also known as c.2297A>T), located in coding exon 23 of the NEBL gene, results from an A to T substitution at nucleotide position 2297. The aspartic acid at codon 766 is replaced by valine, an amino acid with highly dissimilar properties. This amino acid position is conserved. In addition, this alteration is predicted to be deleterious by in silico analysis. Since supporting evidence is limited at this time, the clinical significance of this alteration remains unclear.

Labcorp Genetics (formerly Invitae), Labcorp
Classification: Uncertain significance for Primary dilated cardiomyopathy. Last evaluated: 2023-03-01. Review status: criteria provided, single submitter. Criteria: Invitae Variant Classification Sherloc (09022015). Collection method: clinical testing. Allele origin: germline.
Comment: An algorithm developed to predict the effect of missense changes on protein structure and function (PolyPhen-2) suggests that this variant is likely to be disruptive. ClinVar contains an entry for this variant (Variation ID: 1041998). This variant has not been reported in the literature in individuals affected with NEBL-related conditions. This variant is present in population databases (no rsID available, gnomAD 0.003%). This sequence change replaces aspartic acid, which is acidic and polar, with valine, which is neutral and non-polar, at codon 766 of the NEBL protein (p.Asp766Val). In summary, the available evidence is currently insufficient to determine the role of this variant in disease. Therefore, it has been classified as a Variant of Uncertain Significance.

NM_006393.3(NEBL):c.2297A>T (p.Asp766Val)

Gene: NEBL (nebulette; minus strand). Cytogenetic location: 10p12.31.
Variant type: single nucleotide variant.
Coding change: c.2297A>T on transcript NM_006393.3 (MANE Select); coding-DNA position 2297, A replaced by T.
Protein change: p.Asp766Val; replaces aspartic acid 766 with valine.
Molecular consequence: missense variant. On other transcripts: intron variant (9).
Genome position (GRCh38, 1-based): chr10:20,813,988, T>A on the plus strand (A>T on the coding strand, the complement: NEBL is on the minus strand). VCF-style: chr10-20813988-T-A. GRCh37 (hg19) VCF-style: chr10-21102917-T-A.
Other names: c.250-1048A>T (NM_001377326.1, NM_001377327.1, NM_001377328.1); c.358-1048A>T (NM_213569.2, NM_001173484.2, NM_001377322.1); c.301-1048A>T (NM_001377324.1); c.292-1048A>T (NM_001377325.1); c.310-1048A>T (NM_001377323.1); short protein forms D766V.
Identifiers: ClinVar variation 1041998 (VCV001041998.12), dbSNP rs1479921102, ClinGen allele CA376093668.
Genomic context (GRCh38, chr10:20,813,988, plus strand): 5'-TTGGACCCTACCATTGAAATATGATTTTGTGCTTCTTTAACATGTCTCATAGCAGGTGTA[T>A]CTAAAATCAGACTTGGTCTACCTTTCATCTGTTTATGGTCCTGGGTATATTTTACCTGCA-3'
Protein context (NP_006384.1, residues 756-776): QMKGRPSLIL[Asp766Val]TPAMRHVKEA